The following is an entry in ClinVar:

NM_014425.5(INVS):c.2979A>G (p.Thr993=)

Gene: INVS (inversin; plus strand). Cytogenetic location: 9q31.1.
Variant type: single nucleotide variant.
Coding change: c.2979A>G on transcript NM_014425.5 (MANE Select); coding-DNA position 2979, A replaced by G.
Protein change: p.Thr993=; no amino-acid change (threonine 993 retained).
Molecular consequence: synonymous variant. On other transcripts: non-coding transcript variant (1).
Genome position (GRCh38, 1-based): chr9:100,297,109, A>G. VCF-style: chr9-100297109-A-G. GRCh37 (hg19) VCF-style: chr9-103059391-A-G.
Other names: c.2691A>G, p.Thr897= (NM_001318381.2); c.2001A>G, p.Thr667= (NM_001318382.2); c.2979A>G (NM_014425.4).
Identifiers: ClinVar variation 2894805 (VCV002894805.5), dbSNP rs1364987913, ClinGen allele CA466444487.
Genomic context (GRCh38, chr9:100,297,109, plus strand): 5'-CCCCCAAACCACTGCAGTAAGCAAGGCCCCCAAGAGTCCATCCAAGGGCACCTCAGGCAC[A>G]AAGTCCACCAAGCACTCAGTGCTTAAGCAAATCTATGGTAACTGTCCTTCTGCCTACTTT-3'
Protein context (NP_055240.2, residues 983-1003): PKSPSKGTSG[Thr993=]KSTKHSVLKQ

ClinVar aggregate classification (germline): Likely benign. Review status: criteria provided, single submitter (1 of 4 stars). 2 submissions from 2 submitters: Likely benign (1). 1 of the submissions does not count toward it. Last evaluated 2025-11-26.

Conditions:
Nephronophthisis. Also called: Juvenile Nephronophthisis. Identifiers: Orphanet 655, MedGen C0687120, MONDO:0019005, HP:0000090.
INVS-related disorder. Also called: INVS-related condition.

Allele frequency attached by ClinVar (database versions not stated): gnomAD exomes below 0.00001.
gnomAD v4.1: 2 of 1,614,118 alleles (0.00012%); highest among the groups gnomAD compares: South Asian, 0.0011%; no homozygotes.

Submissions (2):

Labcorp Genetics (formerly Invitae), Labcorp
Classification: Likely benign for Nephronophthisis. Last evaluated: 2025-11-26. Review status: criteria provided, single submitter. Criteria: Invitae Variant Classification Sherloc (09022015). Collection method: clinical testing. Allele origin: germline.

PreventionGenetics, part of Exact Sciences
Classification: Likely benign for INVS-related condition. Last evaluated: 2023-12-13. Review status: no assertion criteria provided. Collection method: clinical testing. Allele origin: germline. Not counted in ClinVar's aggregate classification.
Comment: This variant is classified as likely benign based on ACMG/AMP sequence variant interpretation guidelines (Richards et al. 2015 PMID: 25741868, with internal and published modifications).